The following is an entry in ClinVar:

NM_001130987.2(DYSF):c.900del (p.Phe300fs)

Gene: DYSF (dysferlin; plus strand). Cytogenetic location: 2p13.2.
Variant type: Deletion.
Coding change: c.900del on transcript NM_001130987.2 (MANE Select); coding-DNA position 900, one base deleted (C; older notation c.900delC).
Protein change: p.Phe300fs; shifts the reading frame from phenylalanine 300.
Molecular consequence: frameshift variant.
Genome position (GRCh38, 1-based): chr2:71,516,191, C deleted. VCF-style (leftmost placement, unchanged base first): chr2-71516190-TC-T. GRCh37 (hg19) VCF-style: chr2-71743320-TC-T.
Other names: c.807del, p.Phe269fs (NM_001130455.2, NM_001130983.2, NM_001130984.2 and 1 more transcripts); c.804del, p.Phe268fs (NM_001130976.2, NM_001130977.2, NM_001130978.2 and 1 more transcripts); c.897del, p.Phe299fs (NM_001130979.2, NM_001130980.2, NM_001130981.2); c.900del, p.Phe300fs (NM_001130982.2, NM_001130985.2); short protein forms F268fs, F269fs, F299fs, F300fs.
Identifiers: ClinVar variation 4815159 (VCV004815159.1).
Genomic context (GRCh38, chr2:71,516,190, plus strand): 5'-CTGAGGGATCAGCAGGCACTGATATGTCTCTCTTTGCTCTGAACCAACAGACTCTTTTCT[TC>T]AACTTGTTTGACTCTCCTGGGGAGCTGTTTGATGAGCCCATCTTTATCACGGTATGTCTC-3'

ClinVar aggregate classification (germline): Likely pathogenic (1 of 4 stars; one submission).

Conditions:
Autosomal recessive limb-girdle muscular dystrophy type 2B (LGMDR2). Also called: MUSCULAR DYSTROPHY, LIMB-GIRDLE, TYPE 3; MUSCULAR DYSTROPHY, LIMB-GIRDLE, AUTOSOMAL RECESSIVE 2; Limb-Girdle Muscular Dystrophy Type 2B (LGMD2B); Limb-girdle muscular dystrophy, type 2B. Identifiers: Orphanet 268, MedGen C1850889, MONDO:0009676, OMIM 253601.

Submission:

Natera, Inc.
Classification: Likely pathogenic for Limb-girdle muscular dystrophy type 2B. Last evaluated: 2024-07-29. Review status: criteria provided, single submitter. Criteria: Natera Variant Classification Schema (03/2026). Collection method: clinical testing. Allele origin: germline.
Comment: The c.804del variant in DYSF is a frameshift variant predicted to shift the reading frame beginning at codon 268 and leads to a stop codon 20 codons downstream. This variant is expected to result in nonsense mediated decay, truncation, or a dysfunctional protein product. This variant is rare in the general population with a frequency below the threshold expected for the associated phenotype(s). Given the available evidence, this variant is classified as Likely Pathogenic.